The following is an entry in ClinVar:

ClinVar aggregate classification (germline): Likely benign. Review status: criteria provided, multiple submitters, no conflicts (2 of 4 stars). 4 submissions from 4 submitters: Likely benign (4). Last evaluated 2026-01-19.

Conditions:
Epileptic encephalopathy. Identifiers: MedGen C0543888, HP:0200134.

Allele frequency attached by ClinVar (database versions not stated): TOPMed 0.00015; 1000 Genomes Project 30x 0.00016; gnomAD 0.00016; gnomAD exomes 0.00016; ExAC 0.00017; 1000 Genomes Project 0.00020; ESP Exome Variant Server 0.00023.
gnomAD v4.1: 230 of 1,614,024 alleles (0.014%); highest among the groups gnomAD compares: Admixed American, 0.018%; no homozygotes.

Submissions (4):

Labcorp Genetics (formerly Invitae), Labcorp
Classification: Likely benign for Epileptic encephalopathy. Last evaluated: 2026-01-19. Review status: criteria provided, single submitter. Criteria: Invitae Variant Classification Sherloc (09022015). Collection method: clinical testing. Allele origin: germline.

Blueprint Genetics
Classification: Likely benign. Last evaluated: 2024-07-08. Review status: criteria provided, single submitter. Criteria: ACMG Guidelines, 2015. Collection method: clinical testing. Allele origin: germline.

CeGaT Center for Human Genetics Tuebingen
Classification: Likely benign. Last evaluated: 2024-07-01. Review status: criteria provided, single submitter. Criteria: CeGaT Center For Human Genetics Tuebingen Variant Classification Criteria Version 2. Collection method: clinical testing. Allele origin: germline. Affected: yes. Observed: 2 variant alleles.
Comment: GABBR2: BP4, BP7

GeneDx
Classification: Likely benign. Last evaluated: 2018-09-07. Review status: criteria provided, single submitter. Criteria: GeneDx Variant Classification Process June 2021. Collection method: clinical testing. Allele origin: germline. Affected: yes.

NM_005458.8(GABBR2):c.1044C>T (p.Gly348=)

Gene: GABBR2 (gamma-aminobutyric acid type B receptor subunit 2; minus strand). Cytogenetic location: 9q22.33.
Variant type: single nucleotide variant.
Coding change: c.1044C>T on transcript NM_005458.8 (MANE Select); coding-DNA position 1044, C replaced by T.
Protein change: p.Gly348=; no amino-acid change (glycine 348 retained).
Molecular consequence: synonymous variant.
Genome position (GRCh38, 1-based): chr9:98,454,173, G>A on the plus strand (C>T on the coding strand, the complement: GABBR2 is on the minus strand). VCF-style: chr9-98454173-G-A. GRCh37 (hg19) VCF-style: chr9-101216455-G-A.
Identifiers: ClinVar variation 772328 (VCV000772328.37), dbSNP rs151275459, ClinGen allele CA5152814.